The following is an entry in ClinVar:

ClinVar aggregate classification (germline): Pathogenic (1 of 4 stars; one submission).

Submission:

Labcorp Genetics (formerly Invitae), Labcorp
Classification: Pathogenic. Last evaluated: 2022-05-07. Review status: criteria provided, single submitter. Criteria: Invitae Variant Classification Sherloc (09022015). Collection method: clinical testing. Allele origin: germline.
Comment: This variant is a gross deletion of the genomic region encompassing exon(s) 6-7 of the CHM gene. This deletion is out-of-frame, and is expected to create a premature termination codon and result in an absent or disrupted protein product. Loss-of-function variants in CHM are known to be pathogenic (PMID: 9067750, 23811034). A similar copy number variant has been observed in individual(s) with choroideremia (PMID: 20027300, 21905166). For these reasons, this variant has been classified as Pathogenic.

Literature cited by the submitters: PubMed 9067750; PubMed 23811034; PubMed 20027300; PubMed 21905166.

NC_000023.10:g.(?_85212840)_(85214002_?)del

Gene: CHM (CHM Rab escort protein; minus strand). Cytogenetic location: Xq21.2.
Variant type: Deletion.
Identifiers: ClinVar variation 2423013 (VCV002423013.4).